The following is an entry in ClinVar:

ClinVar aggregate classification (germline): Uncertain significance (1 of 4 stars; one submission).

Conditions:
Inborn genetic diseases. Identifiers: MedGen C0950123, MeSH D030342.

Submission:

Ambry Genetics
Classification: Uncertain significance for Inborn genetic diseases. Last evaluated: 2025-01-05. Review status: criteria provided, single submitter. Criteria: Ambry Variant Classification Scheme 2023. Collection method: clinical testing. Allele origin: germline.
Comment: The p.E1029K variant (also known as c.3085G>A), located in coding exon 24 of the ANKRD26 gene, results from a G to A substitution at nucleotide position 3085. The glutamic acid at codon 1029 is replaced by lysine, an amino acid with similar properties. This amino acid position is conserved. In addition, this alteration is predicted to be tolerated by in silico analysis. Based on the available evidence, the clinical significance of this variant remains unclear.

NM_014915.3(ANKRD26):c.3085G>A (p.Glu1029Lys)

Gene: ANKRD26 (ankyrin repeat domain containing 26; minus strand). Cytogenetic location: 10p12.1.
Variant type: single nucleotide variant.
Coding change: c.3085G>A on transcript NM_014915.3 (MANE Select); coding-DNA position 3085, G replaced by A.
Protein change: p.Glu1029Lys; replaces glutamic acid 1029 with lysine.
Molecular consequence: missense variant.
Genome position (GRCh38, 1-based): chr10:27,035,365, C>T on the plus strand (G>A on the coding strand, the complement: ANKRD26 is on the minus strand). VCF-style: chr10-27035365-C-T. GRCh37 (hg19) VCF-style: chr10-27324294-C-T.
Other names: c.3082G>A, p.Glu1028Lys (NM_001256053.2); short protein forms E1028K, E1029K.
Identifiers: ClinVar variation 3870008 (VCV003870008.1).